The following is an entry in ClinVar:

NM_020435.4(GJC2):c.784A>C (p.Thr262Pro)

Gene: GJC2 (gap junction protein gamma 2; plus strand). Cytogenetic location: 1q42.13.
Variant type: single nucleotide variant.
Coding change: c.784A>C on transcript NM_020435.4 (MANE Select); coding-DNA position 784, A replaced by C.
Protein change: p.Thr262Pro; replaces threonine 262 with proline.
Molecular consequence: missense variant.
Genome position (GRCh38, 1-based): chr1:228,158,542, A>C. VCF-style: chr1-228158542-A-C. GRCh37 (hg19) VCF-style: chr1-228346243-A-C.
Other names: c.784A>C (NM_020435.3); short protein forms T262P.
Identifiers: ClinVar variation 2915358 (VCV002915358.3), dbSNP rs761726866, ClinGen allele CA345099454.

ClinVar aggregate classification (germline): Uncertain significance. Review status: criteria provided, multiple submitters, no conflicts (2 of 4 stars). 2 submissions from 2 submitters: Uncertain significance (2). Last evaluated 2024-08-21.

Conditions:
Spastic paraplegia. Identifiers: MedGen C0037772, HP:0001258.

Submissions (2):

GeneDx
Classification: Uncertain significance. Last evaluated: 2024-08-21. Review status: criteria provided, single submitter. Criteria: GeneDx Variant Classification Process June 2021. Collection method: clinical testing. Allele origin: germline. Affected: yes.
Comment: Identified with a second GJC2 variant in probands with features consistent with a GJC2-related disorder referred for genetic testing at GeneDx and in published literature (PMID: 29141312); In silico analysis supports that this missense variant has a deleterious effect on protein structure/function; Not observed at significant frequency in large population cohorts (gnomAD); This variant is associated with the following publications: (PMID: 29141312)

Labcorp Genetics (formerly Invitae), Labcorp
Classification: Uncertain significance for Spastic paraplegia. Last evaluated: 2023-11-28. Review status: criteria provided, single submitter. Criteria: Invitae Variant Classification Sherloc (09022015). Collection method: clinical testing. Allele origin: germline.
Comment: This sequence change replaces threonine, which is neutral and polar, with proline, which is neutral and non-polar, at codon 262 of the GJC2 protein (p.Thr262Pro). This variant is not present in population databases (gnomAD no frequency). This missense change has been observed in individual(s) with clinical features of GJC2-related conditions (PMID: 29141312). Advanced modeling of protein sequence and biophysical properties (such as structural, functional, and spatial information, amino acid conservation, physicochemical variation, residue mobility, and thermodynamic stability) has been performed at Invitae for this missense variant, however the output from this modeling did not meet the statistical confidence thresholds required to predict the impact of this variant on GJC2 protein function. In summary, the available evidence is currently insufficient to determine the role of this variant in disease. Therefore, it has been classified as a Variant of Uncertain Significance.

Literature cited by the submitters: PubMed 29141312 (cited by Labcorp Genetics (formerly Invitae), Labcorp).